The following is an entry in ClinVar:

NM_001940.4(ATN1):c.697A>G (p.Met233Val)

Gene: ATN1 (atrophin 1; plus strand). Cytogenetic location: 12p13.31.
Variant type: single nucleotide variant.
Coding change: c.697A>G on transcript NM_001940.4 (MANE Select); coding-DNA position 697, A replaced by G.
Protein change: p.Met233Val; replaces methionine 233 with valine.
Molecular consequence: missense variant.
Genome position (GRCh38, 1-based): chr12:6,935,964, A>G. VCF-style: chr12-6935964-A-G. GRCh37 (hg19) VCF-style: chr12-7045127-A-G.
Other names: c.697A>G, p.Met233Val (NM_001007026.2); short protein forms M233V.
Identifiers: ClinVar variation 2394895 (VCV002394895.3), dbSNP rs149811742, ClinGen allele CA6420433.

ClinVar aggregate classification (germline): Likely benign. Review status: criteria provided, multiple submitters, no conflicts (2 of 4 stars). 2 submissions from 2 submitters: Likely benign (2). Last evaluated 2025-09-03.

Conditions:
ATN1-related disorder. Also called: ATN1-related condition; ATN1-related disorders.
Inborn genetic diseases. Identifiers: MedGen C0950123, MeSH D030342.

Allele frequency attached by ClinVar (database versions not stated): 1000 Genomes Project 30x 0.00016; 1000 Genomes Project 0.00020; ExAC 0.00024; ESP Exome Variant Server 0.00031; gnomAD exomes 0.00031; gnomAD 0.00039; TOPMed 0.00045.
gnomAD v4.1: 514 of 1,590,444 alleles (0.032%); highest among the groups gnomAD compares: African/African-American, 0.086%; no homozygotes.

Submissions (2):

PreventionGenetics, part of Exact Sciences
Classification: Likely benign for ATN1-related condition. Last evaluated: 2025-09-03. Review status: criteria provided, single submitter. Criteria: ACMG Guidelines, 2015. Collection method: clinical testing. Allele origin: germline.
Comment: This variant is classified as likely benign based on ACMG/AMP sequence variant interpretation guidelines (Richards et al. 2015 PMID: 25741868, with internal and published modifications).

Ambry Genetics
Classification: Likely benign for Inborn genetic diseases. Last evaluated: 2021-08-12. Review status: criteria provided, single submitter. Criteria: Ambry Variant Classification Scheme 2023. Collection method: clinical testing. Allele origin: germline.